The following is an entry in ClinVar:

ClinVar aggregate classification (germline): Uncertain significance. Review status: criteria provided, multiple submitters, no conflicts (2 of 4 stars). 2 submissions from 2 submitters: Uncertain significance (2). Last evaluated 2022-10-07.

Conditions:
Inborn genetic diseases. Identifiers: MedGen C0950123, MeSH D030342.

Allele frequency attached by ClinVar (database versions not stated): ExAC 0.00001; gnomAD 0.00001; gnomAD exomes 0.00001.
gnomAD v4.1: 20 of 1,612,716 alleles (0.0012%); highest among the groups gnomAD compares: Middle Eastern, 0.016%; no homozygotes.

Submissions (2):

Labcorp Genetics (formerly Invitae), Labcorp
Classification: Uncertain significance. Last evaluated: 2022-10-07. Review status: criteria provided, single submitter. Criteria: Invitae Variant Classification Sherloc (09022015). Collection method: clinical testing. Allele origin: germline.
Comment: This sequence change replaces alanine, which is neutral and non-polar, with threonine, which is neutral and polar, at codon 320 of the WHSC1 protein (p.Ala320Thr). This variant is present in population databases (rs747603711, gnomAD 0.002%). This variant has not been reported in the literature in individuals affected with WHSC1-related conditions. ClinVar contains an entry for this variant (Variation ID: 1680161). Algorithms developed to predict the effect of missense changes on protein structure and function output the following: SIFT: "Tolerated"; PolyPhen-2: "Benign"; Align-GVGD: "Class C0". The threonine amino acid residue is found in multiple mammalian species, which suggests that this missense change does not adversely affect protein function. In summary, the available evidence is currently insufficient to determine the role of this variant in disease. Therefore, it has been classified as a Variant of Uncertain Significance.

Ambry Genetics
Classification: Uncertain significance for Inborn genetic diseases. Last evaluated: 2022-05-05. Review status: criteria provided, single submitter. Criteria: Ambry Variant Classification Scheme 2023. Collection method: clinical testing. Allele origin: germline.

NM_001042424.3(NSD2):c.958G>A (p.Ala320Thr)

Gene: NSD2 (nuclear receptor binding SET domain protein 2; plus strand). Cytogenetic location: 4p16.3.
Variant type: single nucleotide variant.
Coding change: c.958G>A on transcript NM_001042424.3 (MANE Select); coding-DNA position 958, G replaced by A.
Protein change: p.Ala320Thr; replaces alanine 320 with threonine.
Molecular consequence: missense variant.
Genome position (GRCh38, 1-based): chr4:1,918,171, G>A. VCF-style: chr4-1918171-G-A. GRCh37 (hg19) VCF-style: chr4-1919898-G-A.
Other names: c.958G>A, p.Ala320Thr (NM_007331.2, NM_133330.3, NM_133331.3 and 2 more transcripts); short protein forms A320T.
Identifiers: ClinVar variation 1680161 (VCV001680161.10), dbSNP rs747603711, ClinGen allele CA2812003.
Genomic context (GRCh38, chr4:1,918,171, plus strand): 5'-AACTTACAGTGTCTCTTTTTTTTTTCCCAGCTATTGAAACCAATTTCAGGGAAATTGAGG[G>A]CCCAGTGGGAAATGGGCATTGTTCAAGCAGAAGAAGCTGCAAGCATGTCAGTGGAGGAGC-3'
Protein context (NP_001035889.1, residues 310-330): LLKPISGKLR[Ala320Thr]QWEMGIVQAE